The following is an entry in ClinVar:

ClinVar aggregate classification (germline): Benign (1 of 4 stars; one submission).

Allele frequency attached by ClinVar (database versions not stated): gnomAD exomes 0.00052; 1000 Genomes Project 0.00339; 1000 Genomes Project 30x 0.00375; gnomAD 0.00408; TOPMed 0.00432.

Submission:

CeGaT Center for Human Genetics Tuebingen
Classification: Benign. Last evaluated: 2023-02-01. Review status: criteria provided, single submitter. Criteria: CeGaT Center For Human Genetics Tuebingen Variant Classification Criteria Version 2. Collection method: clinical testing. Allele origin: germline. Affected: yes. Observed: 1 variant allele.
Comment: INTS8: BS1, BS2

NC_000008.11:g.94822929A>G

Gene: INTS8 (integrator complex subunit 8; plus strand). Cytogenetic location: 8q22.1.
Variant type: single nucleotide variant.
Genome position: GRCh38 VCF-style: chr8-94822929-A-G. GRCh37 (hg19) VCF-style: chr8-95835157-A-G.
Identifiers: ClinVar variation 2658697 (VCV002658697.24), dbSNP rs143606207, ClinGen allele CA4813178.